The following is an entry in ClinVar:

ClinVar aggregate classification (germline): Uncertain significance (1 of 4 stars; one submission).

Allele frequency attached by ClinVar (database versions not stated): TOPMed below 0.00001; gnomAD 0.00001.
gnomAD v4.1: 8 of 1,591,954 alleles (0.0005%); highest among the groups gnomAD compares: Non-Finnish European, 0.00068%; no homozygotes.

Submission:

Labcorp Genetics (formerly Invitae), Labcorp
Classification: Uncertain significance. Last evaluated: 2023-12-14. Review status: criteria provided, single submitter. Criteria: Invitae Variant Classification Sherloc (09022015). Collection method: clinical testing. Allele origin: germline.
Comment: This sequence change replaces alanine, which is neutral and non-polar, with threonine, which is neutral and polar, at codon 1907 of the CHD5 protein (p.Ala1907Thr). This variant is not present in population databases (gnomAD no frequency). This variant has not been reported in the literature in individuals affected with CHD5-related conditions. An algorithm developed to predict the effect of missense changes on protein structure and function (PolyPhen-2) suggests that this variant is likely to be tolerated. In summary, the available evidence is currently insufficient to determine the role of this variant in disease. Therefore, it has been classified as a Variant of Uncertain Significance.

NM_015557.3(CHD5):c.5719G>A (p.Ala1907Thr)

Gene: CHD5 (chromodomain helicase DNA binding protein 5; minus strand). Cytogenetic location: 1p36.31.
Variant type: single nucleotide variant.
Coding change: c.5719G>A on transcript NM_015557.3 (MANE Select); coding-DNA position 5719, G replaced by A.
Protein change: p.Ala1907Thr; replaces alanine 1907 with threonine.
Molecular consequence: missense variant.
Genome position (GRCh38, 1-based): chr1:6,106,639, C>T on the plus strand (G>A on the coding strand, the complement: CHD5 is on the minus strand). VCF-style: chr1-6106639-C-T. GRCh37 (hg19) VCF-style: chr1-6166699-C-T.
Other names: short protein forms A1907T.
Identifiers: ClinVar variation 2702968 (VCV002702968.3), dbSNP rs1054235000, ClinGen allele CA338063412.